The following is an entry in ClinVar:

NM_000016.6(ACADM):c.286G>C (p.Gly96Arg)

Gene: ACADM (acyl-CoA dehydrogenase medium chain; plus strand). Cytogenetic location: 1p31.1.
Variant type: single nucleotide variant.
Coding change: c.286G>C on transcript NM_000016.6 (MANE Select); coding-DNA position 286, G replaced by C.
Protein change: p.Gly96Arg; replaces glycine 96 with arginine.
Molecular consequence: missense variant. On other transcripts: 5 prime UTR variant (1).
Genome position (GRCh38, 1-based): chr1:75,732,922, G>C. VCF-style: chr1-75732922-G-C. GRCh37 (hg19) VCF-style: chr1-76198607-G-C.
Other names: c.298G>C, p.Gly100Arg (NM_001127328.3); c.178G>C, p.Gly60Arg (NM_001286042.2); c.286G>C, p.Asp96His (NM_001286043.2); c.-100G>C (NM_001286044.2); short protein forms G96R, G100R, D96H, G60R.
Identifiers: ClinVar variation 423857 (VCV000423857.8), dbSNP rs886042055, ClinGen allele CA16617184.

ClinVar aggregate classification (germline): Uncertain significance. Review status: criteria provided, multiple submitters, no conflicts (2 of 4 stars). 4 submissions from 4 submitters: Uncertain significance (3). 1 of the submissions does not count toward it. Last evaluated 2026-02-01.

Conditions:
Medium-chain acyl-coenzyme A dehydrogenase deficiency (ACADMD). Also called: CARNITINE DEFICIENCY SECONDARY TO MEDIUM-CHAIN ACYL-CoA DEHYDROGENASE DEFICIENCY; MCADD; Medium chain acyl-CoA dehydrogenase deficiency; MCAD Deficiency; ACADM DEFICIENCY; MCADH DEFICIENCY. Identifiers: Orphanet 42, MedGen C0220710, MONDO:0008721, OMIM 201450.

Allele frequency attached by ClinVar (database versions not stated): gnomAD 0.00003; TOPMed 0.00003.
gnomAD v4.1: 4 of 1,613,582 alleles (0.00025%); highest among the groups gnomAD compares: African/African-American, 0.0053%; no homozygotes.

Submissions (4):

Labcorp Genetics (formerly Invitae), Labcorp
Classification: Uncertain significance for Medium-chain acyl-coenzyme A dehydrogenase deficiency. Last evaluated: 2026-02-01. Review status: criteria provided, single submitter. Criteria: Invitae Variant Classification Sherloc (09022015). Collection method: clinical testing. Allele origin: germline.
Comment: This sequence change replaces glycine, which is neutral and non-polar, with arginine, which is basic and polar, at codon 96 of the ACADM protein (p.Gly96Arg). This variant also falls at the last nucleotide of exon 4, which is part of the consensus splice site for this exon. This variant is not present in population databases (gnomAD no frequency). This variant has not been reported in the literature in individuals affected with ACADM-related conditions. ClinVar contains an entry for this variant (Variation ID: 423857). An algorithm developed to predict the effect of missense changes on protein structure and function (PolyPhen-2) suggests that this variant is likely to be disruptive. Variants that disrupt the consensus splice site are a relatively common cause of aberrant splicing (PMID: 17576681, 9536098). Algorithms developed to predict the effect of sequence changes on RNA splicing suggest that this variant may disrupt the consensus splice site. In summary, the available evidence is currently insufficient to determine the role of this variant in disease. Therefore, it has been classified as a Variant of Uncertain Significance.

GeneDx
Classification: Uncertain significance. Last evaluated: 2017-02-16. Review status: criteria provided, single submitter. Criteria: GeneDx Variant Classification (06012015). Collection method: clinical testing. Allele origin: germline. Affected: yes.
Comment: The G96R variant (also known as G71R) has not been published as a pathogenic variant, nor has it been reported as a benign variant to our knowledge. This variant was not observed in approximately 6500 individuals of European and African American ancestry in the NHLBI Exome Sequencing Project, indicating it is not a common benign variant in these populations. G96R is a non-conservative amino acid substitution, which is likely to impact secondary protein structure as these residues differ in polarity, charge, size and/or other properties. It occurs at a position that is not conserved, and in silico analysis predicts this variant is probably damaging to the protein structure/function. In summary, we interpret G96R to be a variant of uncertain significance.

Breakthrough Genomics
Classification: Uncertain significance. Review status: criteria provided, single submitter. Criteria: ACMG Guidelines, 2015. Collection method: not provided. Allele origin: germline. Inheritance: Autosomal recessive inheritance. Affected: yes.

Natera, Inc.
Classification: Uncertain significance for Medium-chain acyl-coenzyme a dehydrogenase deficiency. Last evaluated: 2020-09-16. Review status: no assertion criteria provided. Collection method: clinical testing. Allele origin: germline. Not counted in ClinVar's aggregate classification.

Literature cited by the submitters: PubMed 17576681 (cited by Labcorp Genetics (formerly Invitae), Labcorp); PubMed 9536098 (cited by Labcorp Genetics (formerly Invitae), Labcorp).